The following is an entry in ClinVar:

NM_001277115.2(DNAH11):c.7826del (p.Lys2609fs)

Gene: DNAH11 (dynein axonemal heavy chain 11; plus strand). Cytogenetic location: 7p15.3.
Variant type: Deletion.
Coding change: c.7826del on transcript NM_001277115.2 (MANE Select); coding-DNA position 7826, one base deleted (A; older notation c.7826delA).
Protein change: p.Lys2609fs; shifts the reading frame from lysine 2609.
Molecular consequence: frameshift variant.
Genome position (GRCh38, 1-based): chr7:21,739,585, A deleted; the last of 2 consecutive A bases (chr7:21,739,584-21,739,585); deleting either gives the same sequence. VCF-style (leftmost placement, unchanged base first): chr7-21739583-GA-G. GRCh37 (hg19) VCF-style: chr7-21779201-GA-G.
Other names: c.7847delA, p.Lys2616Argfs (NM_003777.3); short protein forms K2609fs.
Identifiers: ClinVar variation 2629772 (VCV002629772.4), dbSNP rs1489165107, ClinGen allele CA572925198.
Genomic context (GRCh38, chr7:21,739,583, plus strand): 5'-TTGTCATCTCCAGTTTTTGGATTTAAGGTTCTGTTTTCTGTCTTTCAGGTATGATAGACA[GA>G]AGGTGATGCTTAAAGAAATCCATAACTGCCAGTATGTCGCCTGCATGAATCCGATGGTGG-3'

ClinVar aggregate classification (germline): Pathogenic/Likely pathogenic. Review status: criteria provided, multiple submitters, no conflicts (2 of 4 stars). 2 submissions from 2 submitters: Pathogenic (1); Likely pathogenic (1). Last evaluated 2023-11-29.

Conditions:
DNAH11-related disorder. Also called: DNAH11-related condition.
Primary ciliary dyskinesia. Also called: Ciliary dyskinesia. Identifiers: Orphanet 244, MedGen C0008780, MONDO:0016575, HP:0012265.

Submissions (2):

Labcorp Genetics (formerly Invitae), Labcorp
Classification: Pathogenic for Primary ciliary dyskinesia. Last evaluated: 2023-11-29. Review status: criteria provided, single submitter. Criteria: Invitae Variant Classification Sherloc (09022015). Collection method: clinical testing. Allele origin: germline.
Comment: This sequence change creates a premature translational stop signal (p.Lys2609Argfs*2) in the DNAH11 gene. It is expected to result in an absent or disrupted protein product. Loss-of-function variants in DNAH11 are known to be pathogenic (PMID: 18022865, 20513915, 22184204). This variant is present in population databases (no rsID available, gnomAD 0.0009%). This variant has not been reported in the literature in individuals affected with DNAH11-related conditions. For these reasons, this variant has been classified as Pathogenic.

PreventionGenetics, part of Exact Sciences
Classification: Likely pathogenic for DNAH11-related condition. Last evaluated: 2022-12-20. Review status: criteria provided, single submitter. Criteria: ACMG Guidelines, 2015. Collection method: clinical testing. Allele origin: germline.
Comment: The DNAH11 c.7826delA variant is predicted to result in a frameshift and premature protein termination (p.Lys2609Argfs*2). To our knowledge, this variant has not been reported in the literature. This variant is reported in 0.00089% of alleles in individuals of European (Non-Finnish) descent in gnomAD. Frameshift variants in DNAH11 are expected to be pathogenic. This variant is interpreted as likely pathogenic.

Literature cited by the submitters: PubMed 18022865 (cited by Labcorp Genetics (formerly Invitae), Labcorp); PubMed 20513915 (cited by Labcorp Genetics (formerly Invitae), Labcorp); PubMed 22184204 (cited by Labcorp Genetics (formerly Invitae), Labcorp).